The following is an entry in ClinVar:

NC_000013.11:g.76992025T>A

Gene: CLN5 (CLN5 lysosomal BMP synthase; plus strand). Cytogenetic location: 13q22.3.
Variant type: single nucleotide variant.
Genome position: GRCh38 VCF-style: chr13-76992025-T-A. GRCh37 (hg19) VCF-style: chr13-77566160-T-A.
Identifiers: ClinVar variation 1438672 (VCV001438672.5), dbSNP rs1182554801, ClinGen allele CA388305885.

ClinVar aggregate classification (germline): Uncertain significance (1 of 4 stars; one submission).

Conditions:
Neuronal ceroid lipofuscinosis. Also called: Neuronal Ceroid Lipofuscinoses. Identifiers: Orphanet 216, Orphanet 79263, MedGen C0027877, MONDO:0016295. Disease mechanism: loss of function.

Submission:

Labcorp Genetics (formerly Invitae), Labcorp
Classification: Uncertain significance for Neuronal ceroid lipofuscinosis. Last evaluated: 2021-08-24. Review status: criteria provided, single submitter. Criteria: Invitae Variant Classification Sherloc (09022015). Collection method: clinical testing. Allele origin: germline.
Comment: This sequence change replaces leucine with glutamine at codon 25 of the CLN5 protein (p.Leu25Gln). The leucine residue is weakly conserved and there is a moderate physicochemical difference between leucine and glutamine. This variant is not present in population databases (ExAC no frequency). This variant has not been reported in the literature in individuals affected with CLN5-related conditions. Algorithms developed to predict the effect of missense changes on protein structure and function are either unavailable or do not agree on the potential impact of this missense change (SIFT: "Deleterious"; PolyPhen-2: "Possibly Damaging"; Align-GVGD: "Class C0"). Algorithms developed to predict the effect of sequence changes on RNA splicing suggest that this variant may create or strengthen a splice site. In summary, the available evidence is currently insufficient to determine the role of this variant in disease. Therefore, it has been classified as a Variant of Uncertain Significance.